The following is an entry in ClinVar:

ClinVar aggregate classification (germline): Uncertain significance (1 of 4 stars; one submission).

Allele frequency attached by ClinVar (database versions not stated): gnomAD exomes below 0.00001; TOPMed 0.00001.
gnomAD v4.1: 1 of 1,614,126 alleles (0.000062%); highest among the groups gnomAD compares: Admixed American, 0.0017%; no homozygotes.

Submission:

Labcorp Genetics (formerly Invitae), Labcorp
Classification: Uncertain significance. Last evaluated: 2021-10-14. Review status: criteria provided, single submitter. Criteria: Invitae Variant Classification Sherloc (09022015). Collection method: clinical testing. Allele origin: germline.
Comment: This sequence change replaces lysine with arginine at codon 606 of the ERCC6 protein (p.Lys606Arg). The lysine residue is highly conserved and there is a small physicochemical difference between lysine and arginine. This variant is not present in population databases (ExAC no frequency). This variant has not been reported in the literature in individuals affected with ERCC6-related conditions. Algorithms developed to predict the effect of missense changes on protein structure and function output the following: SIFT: "Tolerated"; PolyPhen-2: "Benign"; Align-GVGD: "Class C0". The arginine amino acid residue is found in multiple mammalian species, which suggests that this missense change does not adversely affect protein function. Algorithms developed to predict the effect of sequence changes on RNA splicing suggest that this variant may create or strengthen a splice site. In summary, the available evidence is currently insufficient to determine the role of this variant in disease. Therefore, it has been classified as a Variant of Uncertain Significance.

NM_000124.4(ERCC6):c.1817A>G (p.Lys606Arg)

Gene: ERCC6 (ERCC excision repair 6, chromatin remodeling factor; minus strand). Cytogenetic location: 10q11.23.
Variant type: single nucleotide variant.
Coding change: c.1817A>G on transcript NM_000124.4 (MANE Select); coding-DNA position 1817, A replaced by G.
Protein change: p.Lys606Arg; replaces lysine 606 with arginine.
Molecular consequence: missense variant.
Genome position (GRCh38, 1-based): chr10:49,493,121, T>C on the plus strand (A>G on the coding strand, the complement: ERCC6 is on the minus strand). VCF-style: chr10-49493121-T-C. GRCh37 (hg19) VCF-style: chr10-50701167-T-C.
Other names: c.1817A>G, p.Lys606Arg (NM_001346440.2); short protein forms K606R.
Identifiers: ClinVar variation 1387141 (VCV001387141.3), dbSNP rs1437414291, ClinGen allele CA376726397.